The following is an entry in ClinVar:

ClinVar aggregate classification (germline): Uncertain significance (1 of 4 stars; one submission).

Conditions:
Arrhythmogenic right ventricular dysplasia 9 (ARVD9). Also called: Arrhythmogenic Right Ventricular Dysplasia/Cardiomyopathy 9; ARRHYTHMOGENIC RIGHT VENTRICULAR DYSPLASIA, FAMILIAL, 9. Identifiers: MedGen C1836906, MONDO:0012180, OMIM 609040.

Submission:

Labcorp Genetics (formerly Invitae), Labcorp
Classification: Uncertain significance for Arrhythmogenic right ventricular dysplasia 9. Last evaluated: 2021-07-28. Review status: criteria provided, single submitter. Criteria: Invitae Variant Classification Sherloc (09022015). Collection method: clinical testing. Allele origin: germline.
Comment: This variant is not present in population databases (ExAC no frequency). This sequence change replaces threonine with alanine at codon 449 of the PKP2 protein (p.Thr449Ala). The threonine residue is highly conserved and there is a small physicochemical difference between threonine and alanine. This variant has not been reported in the literature in individuals affected with PKP2-related conditions. In summary, the available evidence is currently insufficient to determine the role of this variant in disease. Therefore, it has been classified as a Variant of Uncertain Significance. Algorithms developed to predict the effect of missense changes on protein structure and function are either unavailable or do not agree on the potential impact of this missense change (SIFT: "Deleterious"; PolyPhen-2: "Possibly Damaging"; Align-GVGD: "Class C0").

NM_001005242.3(PKP2):c.1345A>G (p.Thr449Ala)

Gene: PKP2 (plakophilin 2; minus strand). Cytogenetic location: 12p11.21.
Variant type: single nucleotide variant.
Coding change: c.1345A>G on transcript NM_001005242.3 (MANE Select); coding-DNA position 1345, A replaced by G.
Protein change: p.Thr449Ala; replaces threonine 449 with alanine.
Molecular consequence: missense variant.
Genome position (GRCh38, 1-based): chr12:32,850,799, T>C on the plus strand (A>G on the coding strand, the complement: PKP2 is on the minus strand). VCF-style: chr12-32850799-T-C. GRCh37 (hg19) VCF-style: chr12-33003733-T-C.
Other names: c.1345A>G, p.Thr449Ala (NM_004572.4); short protein forms T449A.
Identifiers: ClinVar variation 1356134 (VCV001356134.6), dbSNP rs2137862264, ClinGen allele CA384369750.